The following is an entry in ClinVar:

ClinVar aggregate classification (germline): Uncertain significance. Review status: criteria provided, multiple submitters, no conflicts (2 of 4 stars). 3 submissions from 3 submitters: Uncertain significance (3). Last evaluated 2024-01-01.

Allele frequency attached by ClinVar (database versions not stated): ExAC 0.00005; gnomAD exomes 0.00005 and 0.00018; gnomAD 0.00011 and 0.00012; TOPMed 0.00012; ESP Exome Variant Server 0.00015.
gnomAD v4.1: 282 of 1,587,514 alleles (0.018%); highest among the groups gnomAD compares: Non-Finnish European, 0.022%; no homozygotes.

Submissions (3):

CeGaT Center for Human Genetics Tuebingen
Classification: Uncertain significance. Last evaluated: 2024-01-01. Review status: criteria provided, single submitter. Criteria: CeGaT Center For Human Genetics Tuebingen Variant Classification Criteria Version 2. Collection method: clinical testing. Allele origin: germline. Affected: yes. Observed: 1 variant allele.

Labcorp Genetics (formerly Invitae), Labcorp
Classification: Uncertain significance. Last evaluated: 2022-08-21. Review status: criteria provided, single submitter. Criteria: Invitae Variant Classification Sherloc (09022015). Collection method: clinical testing. Allele origin: germline.
Comment: This sequence change replaces arginine, which is basic and polar, with lysine, which is basic and polar, at codon 293 of the MAP3K20 protein (p.Arg293Lys). This variant is present in population databases (rs147468782, gnomAD 0.01%). This variant has not been reported in the literature in individuals affected with MAP3K20-related conditions. ClinVar contains an entry for this variant (Variation ID: 1375915). Experimental studies and prediction algorithms are not available or were not evaluated, and the functional significance of this variant is currently unknown. In summary, the available evidence is currently insufficient to determine the role of this variant in disease. Therefore, it has been classified as a Variant of Uncertain Significance.

GeneDx
Classification: Uncertain significance. Last evaluated: 2022-02-24. Review status: criteria provided, single submitter. Criteria: GeneDx Variant Classification Process June 2021. Collection method: clinical testing. Allele origin: germline. Affected: yes.
Comment: Not observed at significant frequency in large population cohorts (gnomAD); In silico analysis supports that this missense variant does not alter protein structure/function; Has not been previously published as pathogenic or benign to our knowledge

NM_016653.3(MAP3K20):c.878G>A (p.Arg293Lys)

Genes: MAP3K20 (mitogen-activated protein kinase kinase kinase 20; plus strand), MAP3K20-AS1 (MAP3K20 antisense RNA 1; minus strand). Cytogenetic location: 2q31.1.
Variant type: single nucleotide variant.
Coding change: c.878G>A on transcript NM_016653.3 (MANE Select); coding-DNA position 878, G replaced by A.
Protein change: p.Arg293Lys; replaces arginine 293 with lysine.
Molecular consequence: missense variant.
Genome position (GRCh38, 1-based): chr2:173,217,141, G>A. VCF-style: chr2-173217141-G-A. GRCh37 (hg19) VCF-style: chr2-174081869-G-A.
Other names: c.878G>A, p.Arg293Lys (NM_133646.3); short protein forms R293K.
Identifiers: ClinVar variation 1375915 (VCV001375915.26), dbSNP rs147468782, ClinGen allele CA1970583.